The following is an entry in ClinVar:

NM_015015.3(KDM4B):c.55C>T (p.Arg19Cys)

Gene: KDM4B (lysine demethylase 4B; plus strand). Cytogenetic location: 19p13.3.
Variant type: single nucleotide variant.
Coding change: c.55C>T on transcript NM_015015.3 (MANE Select); coding-DNA position 55, C replaced by T.
Protein change: p.Arg19Cys; replaces arginine 19 with cysteine.
Molecular consequence: missense variant.
Genome position (GRCh38, 1-based): chr19:5,032,945, C>T. VCF-style: chr19-5032945-C-T. GRCh37 (hg19) VCF-style: chr19-5032956-C-T.
Other names: c.55C>T, p.Arg19Cys (NM_001370093.1, NM_001370094.1, NM_001411148.1); short protein forms R19C.
Identifiers: ClinVar variation 2636682 (VCV002636682.1), dbSNP rs781760371, ClinGen allele CA9107219.

ClinVar aggregate classification (germline): Uncertain significance (1 of 4 stars; one submission).

Conditions:
KDM4B-related disorder. Also called: KDM4B-related condition.

Allele frequency attached by ClinVar (database versions not stated): ExAC 0.00001; gnomAD exomes 0.00002.

Submission:

PreventionGenetics, part of Exact Sciences
Classification: Uncertain significance for KDM4B-related condition. Last evaluated: 2023-09-05. Review status: criteria provided, single submitter. Criteria: ACMG Guidelines, 2015. Collection method: clinical testing. Allele origin: germline.
Comment: The KDM4B c.55C>T variant is predicted to result in the amino acid substitution p.Arg19Cys. To our knowledge, this variant has not been reported in the literature. This variant is reported in 0.0029% of alleles in individuals of Latino descent in gnomAD. At this time, the clinical significance of this variant is uncertain due to the absence of conclusive functional and genetic evidence.